The following is an entry in ClinVar:

ClinVar aggregate classification (germline): Pathogenic. Review status: criteria provided, multiple submitters, no conflicts (2 of 4 stars). 4 submissions from 4 submitters: Pathogenic (3). 1 of the submissions does not count toward it. Last evaluated 2024-05-23.

Conditions:
DNAJC5-related disorders.
Neuronal ceroid lipofuscinosis. Also called: Neuronal Ceroid Lipofuscinoses. Identifiers: Orphanet 216, Orphanet 79263, MedGen C0027877, MONDO:0016295. Disease mechanism: loss of function.
Ceroid lipofuscinosis, neuronal, 4 (Kufs type) (CLN4). Also called: Neuronal ceroid lipofuscinosis 4B; Ceroid lipofuscinosis, neuronal, 4, Parry type. Identifiers: Orphanet 228343, Orphanet 79262, MedGen C1834207, MONDO:0008083, OMIM 162350.

Submissions (4):

Blueprint Genetics
Classification: Pathogenic for DNAJC5-related disorders. Last evaluated: 2024-05-23. Review status: criteria provided, single submitter. Criteria: ACMG Guidelines, 2015. Collection method: clinical testing. Allele origin: germline. Affected: yes. Observed: 1 variant allele.

Labcorp Genetics (formerly Invitae), Labcorp
Classification: Pathogenic for Neuronal ceroid lipofuscinosis. Last evaluated: 2023-11-19. Review status: criteria provided, single submitter. Criteria: Invitae Variant Classification Sherloc (09022015). Collection method: clinical testing. Allele origin: germline.
Comment: This variant, c.346_348del, results in the deletion of 1 amino acid(s) of the DNAJC5 protein (p.Leu116del), but otherwise preserves the integrity of the reading frame. This variant is not present in population databases (gnomAD no frequency). This variant has been observed in individual(s) with adult-onset neuronal ceroid lipofuscinosis (PMID: 21820099, 22073189, 22235333, 22978711). It has also been observed to segregate with disease in related individuals. ClinVar contains an entry for this variant (Variation ID: 30893). Algorithms developed to predict the effect of variants on protein structure and function are not available or were not evaluated for this variant. Experimental studies have shown that this variant affects DNAJC5 function (PMID: 21820099, 22902780). For these reasons, this variant has been classified as Pathogenic.

Research Unit for Rare Diseases, 1st Faculty of Medicine, Charles University in Prague
Classification: Pathogenic for Ceroid lipofuscinosis, neuronal, 4 (Kufs type). Last evaluated: 2019-09-01. Review status: criteria provided, single submitter. Criteria: ACMG Guidelines, 2015. Collection method: research. Allele origin: inherited. Inheritance: Autosomal dominant inheritance. Affected: yes.
Comment: The c.343_345del (p.(L116del)), in exon 4 of DNAJC5 (NM_025219.2) variant was reported by Noskova et al. in 2011 as causative for autosomal dominant adult-onset neuronal ceroid lipofuscinosis (DOI: 10.1016/j.ajhg.2011.07.003).

OMIM
Classification: Pathogenic for CEROID LIPOFUSCINOSIS, NEURONAL, 4 (KUFS TYPE). Last evaluated: 2013-06-01. Review status: no assertion criteria provided. Collection method: literature only. Allele origin: germline. Not counted in ClinVar's aggregate classification.

Literature cited by the submitters: PubMed 21820099 (cited by Labcorp Genetics (formerly Invitae), Labcorp and OMIM); PubMed 22073189 (cited by Labcorp Genetics (formerly Invitae), Labcorp and OMIM); PubMed 22235333 (cited by Labcorp Genetics (formerly Invitae), Labcorp and OMIM); PubMed 22978711 (cited by Labcorp Genetics (formerly Invitae), Labcorp and OMIM); PubMed 22902780 (cited by Labcorp Genetics (formerly Invitae), Labcorp); PubMed 5132971 (cited by OMIM); PubMed 12790899 (cited by OMIM).

NM_025219.3(DNAJC5):c.343CTC[1] (p.Leu116del)

Gene: DNAJC5 (DnaJ heat shock protein family (Hsp40) member C5; plus strand). Cytogenetic location: 20q13.33.
Variant type: Microsatellite.
Coding change: c.343CTC[1] on transcript NM_025219.3 (MANE Select); one copy of the 3-base unit CTC starting at c.343; the reference has two copies in a row; one copy, 3 bases deleted.
Protein change: p.Leu116del; deletes leucine 116.
Molecular consequence: inframe deletion.
Genome position (GRCh38, 1-based): chr20:63,930,875-63,930,877, CTC deleted; deleting any 3 consecutive bases within chr20:63,930,871-63,930,877 gives the same sequence; the position shown is the placement nearest the transcript's 3' end. VCF-style (leftmost placement, unchanged base first): chr20-63930870-GCCT-G. GRCh37 (hg19) VCF-style: chr20-62562223-GCCT-G.
Other names: c.343_345del (NM_025219.2); short protein forms L116del.
Identifiers: ClinVar variation 30893 (VCV000030893.15), dbSNP rs587776892, ClinGen allele CA259932.
Genomic context (GRCh38, chr20:63,930,870, plus strand): 5'-GGCCTCGGAGGCCATGCAACACCACCTTCTTCTCCCCCCAGGCCCTGTTTGTCTTCTGCG[GCCT>G]CCTCACGTGCTGCTACTGCTGCTGCTGTCTGTGCTGCTGCTTCAACTGCTGCTGCGGGAA-3'